The following is an entry in ClinVar:

ClinVar aggregate classification (germline): Pathogenic (1 of 4 stars; one submission).

Submission:

Labcorp Genetics (formerly Invitae), Labcorp
Classification: Pathogenic. Last evaluated: 2023-08-08. Review status: criteria provided, single submitter. Criteria: Invitae Variant Classification Sherloc (09022015). Collection method: clinical testing. Allele origin: germline.
Comment: For these reasons, this variant has been classified as Pathogenic. This sequence change replaces glutamic acid, which is acidic and polar, with glycine, which is neutral and non-polar, at codon 1022 of the ABCA4 protein (p.Glu1022Gly). This variant is not present in population databases (gnomAD no frequency). This missense change has been observed in individual(s) with Stargardt Disease (PMID: 25474345). Advanced modeling of protein sequence and biophysical properties (such as structural, functional, and spatial information, amino acid conservation, physicochemical variation, residue mobility, and thermodynamic stability) performed at Invitae indicates that this missense variant is expected to disrupt ABCA4 protein function. This variant disrupts the p.Glu1022 amino acid residue in ABCA4. Other variant(s) that disrupt this residue have been determined to be pathogenic (PMID: 11702214, 23982839, 30834176). This suggests that this residue is clinically significant, and that variants that disrupt this residue are likely to be disease-causing.

Literature cited by the submitters: PubMed 25474345; PubMed 11702214; PubMed 23982839; PubMed 30834176.

NM_000350.3(ABCA4):c.3065A>G (p.Glu1022Gly)

Gene: ABCA4 (ATP binding cassette subfamily A member 4; minus strand). Cytogenetic location: 1p22.1.
Variant type: single nucleotide variant.
Coding change: c.3065A>G on transcript NM_000350.3 (MANE Select); coding-DNA position 3065, A replaced by G.
Protein change: p.Glu1022Gly; replaces glutamic acid 1022 with glycine.
Molecular consequence: missense variant.
Genome position (GRCh38, 1-based): chr1:94,043,461, T>C on the plus strand (A>G on the coding strand, the complement: ABCA4 is on the minus strand). VCF-style: chr1-94043461-T-C. GRCh37 (hg19) VCF-style: chr1-94509017-T-C.
Other names: c.2843A>G, p.Glu948Gly (NM_001425324.1); short protein forms E1022G, E948G.
Identifiers: ClinVar variation 2733932 (VCV002733932.3), dbSNP rs2523774434, ClinGen allele CA341292690.